The following is an entry in ClinVar:

ClinVar aggregate classification (germline): Uncertain significance (1 of 4 stars; one submission).

Allele frequency attached by ClinVar (database versions not stated): gnomAD exomes 0.00001; ExAC 0.00002; TOPMed 0.00002.
gnomAD v4.1: 6 of 1,574,144 alleles (0.00038%); highest among the groups gnomAD compares: Admixed American, 0.01%; no homozygotes.

Submission:

Labcorp Genetics (formerly Invitae), Labcorp
Classification: Uncertain significance. Last evaluated: 2024-01-12. Review status: criteria provided, single submitter. Criteria: Invitae Variant Classification Sherloc (09022015). Collection method: clinical testing. Allele origin: germline.
Comment: This sequence change falls in intron 8 of the CD96 gene. It does not directly change the encoded amino acid sequence of the CD96 protein. It affects a nucleotide within the consensus splice site. This variant is present in population databases (rs776048679, gnomAD 0.02%). This variant has not been reported in the literature in individuals affected with CD96-related conditions. Variants that disrupt the consensus splice site are a relatively common cause of aberrant splicing (PMID: 17576681, 9536098). Algorithms developed to predict the effect of sequence changes on RNA splicing suggest that this variant may disrupt the consensus splice site. In summary, the available evidence is currently insufficient to determine the role of this variant in disease. Therefore, it has been classified as a Variant of Uncertain Significance.

Literature cited by the submitters: PubMed 17576681; PubMed 9536098.

NM_005816.5(CD96):c.1087+6T>C

Gene: CD96 (CD96 molecule; plus strand). Cytogenetic location: 3q13.2.
Variant type: single nucleotide variant.
Coding change: c.1087+6T>C on transcript NM_005816.5 (MANE Select); 6 bases into the intron after coding-DNA position 1087, T replaced by C.
Molecular consequence: intron variant.
Genome position (GRCh38, 1-based): chr3:111,600,920, T>C. VCF-style: chr3-111600920-T-C. GRCh37 (hg19) VCF-style: chr3-111319767-T-C.
Other names: c.1135+6T>C (NM_198196.3); c.1087+6T>C (NM_001410800.1, NM_001318889.2).
Identifiers: ClinVar variation 2795854 (VCV002795854.3), dbSNP rs776048679, ClinGen allele CA2534612.